The following is an entry in ClinVar:

ClinVar aggregate classification (germline): Conflicting classifications of pathogenicity. Review status: criteria provided, conflicting classifications (1 of 4 stars). 2 submissions from 2 submitters: Uncertain significance (1); Likely benign (1). Last evaluated 2025-09-23.

Conditions:
Inborn genetic diseases. Identifiers: MedGen C0950123, MeSH D030342.
T-B+ severe combined immunodeficiency due to JAK3 deficiency. Also called: SCID, T CELL-NEGATIVE, B CELL-POSITIVE, NK CELL-NEGATIVE; SCID, autosomal recessive, T-negative/B-positive type. Identifiers: Orphanet 35078, MedGen C1833275, MONDO:0010938, OMIM 600802.

Allele frequency attached by ClinVar (database versions not stated): gnomAD exomes below 0.00001 and 0.00001.
gnomAD v4.1: 11 of 1,614,056 alleles (0.00068%); highest among the groups gnomAD compares: Non-Finnish European, 0.00085%; no homozygotes.

Submissions (2):

Ambry Genetics
Classification: Likely benign for Inborn genetic diseases. Last evaluated: 2025-09-23. Review status: criteria provided, single submitter. Criteria: Ambry Variant Classification Scheme 2023. Collection method: clinical testing. Allele origin: germline.

Labcorp Genetics (formerly Invitae), Labcorp
Classification: Uncertain significance for T-B+ severe combined immunodeficiency due to JAK3 deficiency. Last evaluated: 2021-09-10. Review status: criteria provided, single submitter. Criteria: Invitae Variant Classification Sherloc (09022015). Collection method: clinical testing. Allele origin: germline.
Comment: This sequence change replaces methionine with threonine at codon 610 of the JAK3 protein (p.Met610Thr). The methionine residue is weakly conserved and there is a moderate physicochemical difference between methionine and threonine. This variant is not present in population databases (ExAC no frequency). This variant has not been reported in the literature in individuals affected with JAK3-related conditions. Algorithms developed to predict the effect of missense changes on protein structure and function output the following: SIFT: "Tolerated"; PolyPhen-2: "Benign"; Align-GVGD: "Class C0". The threonine amino acid residue is found in multiple mammalian species, which suggests that this missense change does not adversely affect protein function. In summary, the available evidence is currently insufficient to determine the role of this variant in disease. Therefore, it has been classified as a Variant of Uncertain Significance.

NM_000215.4(JAK3):c.1829T>C (p.Met610Thr)

Gene: JAK3 (Janus kinase 3; minus strand). Cytogenetic location: 19p13.11.
Variant type: single nucleotide variant.
Coding change: c.1829T>C on transcript NM_000215.4 (MANE Select); coding-DNA position 1829, T replaced by C.
Protein change: p.Met610Thr; replaces methionine 610 with threonine.
Molecular consequence: missense variant.
Genome position (GRCh38, 1-based): chr19:17,836,009, A>G on the plus strand (T>C on the coding strand, the complement: JAK3 is on the minus strand). VCF-style: chr19-17836009-A-G. GRCh37 (hg19) VCF-style: chr19-17946818-A-G.
Other names: c.1829T>C (NM_000215.3); short protein forms M610T.
Identifiers: ClinVar variation 1389761 (VCV001389761.4), dbSNP rs896905338, ClinGen allele CA306130938.